The following is an entry in ClinVar:

ClinVar aggregate classification (germline): Uncertain significance. Review status: criteria provided, multiple submitters, no conflicts (2 of 4 stars). 2 submissions from 2 submitters: Uncertain significance (2). Last evaluated 2024-08-08.

Allele frequency attached by ClinVar (database versions not stated): TOPMed below 0.00001; gnomAD 0.00001.
gnomAD v4.1: 1 of 1,169,733 alleles (0.000085%); highest among the groups gnomAD compares: Non-Finnish European, 0.00012%; no homozygotes.

Submissions (2):

GeneDx
Classification: Uncertain significance. Last evaluated: 2024-08-08. Review status: criteria provided, single submitter. Criteria: GeneDx Variant Classification Process June 2021. Collection method: clinical testing. Allele origin: germline. Affected: yes.
Comment: Not observed at significant frequency in large population cohorts (gnomAD); In silico analysis supports that this missense variant has a deleterious effect on protein structure/function; Has not been previously published as pathogenic or benign to our knowledge

Labcorp Genetics (formerly Invitae), Labcorp
Classification: Uncertain significance. Last evaluated: 2021-04-11. Review status: criteria provided, single submitter. Criteria: Invitae Variant Classification Sherloc (09022015). Collection method: clinical testing. Allele origin: germline.
Comment: This sequence change replaces aspartic acid with asparagine at codon 373 of the GRIA3 protein (p.Asp373Asn). The aspartic acid residue is highly conserved and there is a small physicochemical difference between aspartic acid and asparagine. This variant is not present in population databases (ExAC no frequency). In summary, the available evidence is currently insufficient to determine the role of this variant in disease. Therefore, it has been classified as a Variant of Uncertain Significance. Algorithms developed to predict the effect of missense changes on protein structure and function (SIFT, PolyPhen-2, Align-GVGD) all suggest that this variant is likely to be tolerated, but these predictions have not been confirmed by published functional studies and their clinical significance is uncertain. This variant has not been reported in the literature in individuals with GRIA3-related conditions.

NM_007325.5(GRIA3):c.1117G>A (p.Asp373Asn)

Gene: GRIA3 (glutamate ionotropic receptor AMPA type subunit 3; plus strand). Cytogenetic location: Xq25.
Variant type: single nucleotide variant.
Coding change: c.1117G>A on transcript NM_007325.5 (MANE Select); coding-DNA position 1117, G replaced by A.
Protein change: p.Asp373Asn; replaces aspartic acid 373 with asparagine.
Molecular consequence: missense variant.
Genome position (GRCh38, 1-based): chrX:123,403,030, G>A. VCF-style: chrX-123403030-G-A. GRCh37 (hg19) VCF-style: chrX-122536881-G-A.
Other names: c.1117G>A (NM_000828.4); c.1117G>A, p.Asp373Asn (NM_000828.5); short protein forms D373N.
Identifiers: ClinVar variation 1525321 (VCV001525321.8), dbSNP rs1264547242, ClinGen allele CA414258454.